The following is an entry in ClinVar:

NM_001385.3(DPYS):c.343G>A (p.Glu115Lys)

Gene: DPYS (dihydropyrimidinase; minus strand). Cytogenetic location: 8q22.3.
Variant type: single nucleotide variant.
Coding change: c.343G>A on transcript NM_001385.3 (MANE Select); coding-DNA position 343, G replaced by A.
Protein change: p.Glu115Lys; replaces glutamic acid 115 with lysine.
Molecular consequence: missense variant.
Genome position (GRCh38, 1-based): chr8:104,451,326, C>T on the plus strand (G>A on the coding strand, the complement: DPYS is on the minus strand). VCF-style: chr8-104451326-C-T. GRCh37 (hg19) VCF-style: chr8-105463554-C-T.
Other names: c.343G>A (NM_001385.2); short protein forms E115K.
Identifiers: ClinVar variation 1381371 (VCV001381371.5), dbSNP rs144821136, ClinGen allele CA4838595.

ClinVar aggregate classification (germline): Uncertain significance. Review status: criteria provided, multiple submitters, no conflicts (2 of 4 stars). 2 submissions from 2 submitters: Uncertain significance (2). Last evaluated 2025-07-14.

Conditions:
Inborn genetic diseases. Identifiers: MedGen C0950123, MeSH D030342.

Allele frequency attached by ClinVar (database versions not stated): gnomAD exomes 0.00006 and 0.00010; ExAC 0.00008; gnomAD 0.00019 and 0.00021; TOPMed 0.00021; ESP Exome Variant Server 0.00023; 1000 Genomes Project 30x 0.00031; 1000 Genomes Project 0.00040.
gnomAD v4.1: 116 of 1,614,098 alleles (0.0072%); highest among the groups gnomAD compares: Admixed American, 0.033%; 1 homozygote.

Submissions (2):

Ambry Genetics
Classification: Uncertain significance for Inborn genetic diseases. Last evaluated: 2025-07-14. Review status: criteria provided, single submitter. Criteria: Ambry Variant Classification Scheme 2023. Collection method: clinical testing. Allele origin: germline.

Labcorp Genetics (formerly Invitae), Labcorp
Classification: Uncertain significance. Last evaluated: 2022-07-19. Review status: criteria provided, single submitter. Criteria: Invitae Variant Classification Sherloc (09022015). Collection method: clinical testing. Allele origin: germline.
Comment: This sequence change replaces glutamic acid, which is acidic and polar, with lysine, which is basic and polar, at codon 115 of the DPYS protein (p.Glu115Lys). This variant is present in population databases (rs144821136, gnomAD 0.02%). This variant has not been reported in the literature in individuals affected with DPYS-related conditions. ClinVar contains an entry for this variant (Variation ID: 1381371). Algorithms developed to predict the effect of missense changes on protein structure and function (SIFT, PolyPhen-2, Align-GVGD) all suggest that this variant is likely to be tolerated. In summary, the available evidence is currently insufficient to determine the role of this variant in disease. Therefore, it has been classified as a Variant of Uncertain Significance.